The following is an entry in ClinVar:

NM_001614.5(ACTG1):c.28A>G (p.Ile10Val)

Genes: ACTG1 (actin gamma 1; minus strand), LOC130061940 (ATAC-STARR-seq lymphoblastoid active region 12964; plus strand). Cytogenetic location: 17q25.3.
Variant type: single nucleotide variant.
Coding change: c.28A>G on transcript NM_001614.5 (MANE Select); coding-DNA position 28, A replaced by G.
Protein change: p.Ile10Val; replaces isoleucine 10 with valine.
Molecular consequence: missense variant. On other transcripts: non-coding transcript variant (1).
Genome position (GRCh38, 1-based): chr17:81,512,327, T>C on the plus strand (A>G on the coding strand, the complement: ACTG1 is on the minus strand). VCF-style: chr17-81512327-T-C. GRCh37 (hg19) VCF-style: chr17-79479353-T-C.
Other names: c.28A>G, p.Ile10Val (NM_001199954.3); short protein forms I10V.
Identifiers: ClinVar variation 3763494 (VCV003763494.2).

ClinVar aggregate classification (germline): Uncertain significance (1 of 4 stars; one submission).

Conditions:
Autosomal dominant nonsyndromic hearing loss 20. Identifiers: Orphanet 90635, MedGen C1858172, MONDO:0011480, OMIM 604717.
Baraitser-winter syndrome 2. Identifiers: Orphanet 2995, MedGen C3281235, MONDO:0013812, OMIM 614583.

gnomAD v4.1: 2 of 1,613,794 alleles (0.00012%); highest among the groups gnomAD compares: South Asian, 0.0011%; no homozygotes.

Submission:

Labcorp Genetics (formerly Invitae), Labcorp
Classification: Uncertain significance for Baraitser-winter syndrome 2; Autosomal dominant nonsyndromic hearing loss 20. Last evaluated: 2026-01-26. Review status: criteria provided, single submitter. Criteria: Invitae Variant Classification Sherloc (09022015). Collection method: clinical testing. Allele origin: germline.
Comment: This sequence change replaces isoleucine, which is neutral and non-polar, with valine, which is neutral and non-polar, at codon 10 of the ACTG1 protein (p.Ile10Val). This variant is not present in population databases (gnomAD no frequency). This variant has not been reported in the literature in individuals affected with ACTG1-related conditions. ClinVar contains an entry for this variant (Variation ID: 3763494). Invitae Evidence Modeling of protein sequence and biophysical properties (such as structural, functional, and spatial information, amino acid conservation, physicochemical variation, residue mobility, and thermodynamic stability) indicates that this missense variant is not expected to disrupt ACTG1 protein function with a negative predictive value of 80%. In summary, the available evidence is currently insufficient to determine the role of this variant in disease. Therefore, it has been classified as a Variant of Uncertain Significance.